The following is an entry in ClinVar:

NM_152564.5(VPS13B):c.11244G>A (p.Pro3748=)

Gene: VPS13B (vacuolar protein sorting 13 homolog B; plus strand). Cytogenetic location: 8q22.2.
Variant type: single nucleotide variant.
Coding change: c.11244G>A on transcript NM_152564.5 (MANE Select); coding-DNA position 11244, G replaced by A.
Protein change: p.Pro3748=; no amino-acid change (proline 3748 retained).
Molecular consequence: synonymous variant.
Genome position (GRCh38, 1-based): chr8:99,868,317, G>A. VCF-style: chr8-99868317-G-A. GRCh37 (hg19) VCF-style: chr8-100880545-G-A.
Other names: p.Pro3773=; c.11319G>A, p.Pro3773= (NM_017890.5).
Identifiers: ClinVar variation 908750 (VCV000908750.20), dbSNP rs375229257, ClinGen allele CA4825194.

ClinVar aggregate classification (germline): Conflicting classifications of pathogenicity. Review status: criteria provided, conflicting classifications (1 of 4 stars). 6 submissions from 6 submitters: Uncertain significance (1); Likely benign (4). 1 of the submissions does not count toward it. Last evaluated 2026-01-01.

Conditions:
Cohen syndrome (COH1). Also called: PEPPER SYNDROME; Cutis verticis gyrata, retinitis pigmentosa, and sensorineural deafness. Identifiers: Orphanet 193, MedGen C0265223, MONDO:0008999, OMIM 216550.

Allele frequency attached by ClinVar (database versions not stated): ESP Exome Variant Server 0.00008; TOPMed 0.00024; 1000 Genomes Project 0.00040; 1000 Genomes Project 30x 0.00047.
gnomAD v4.1: 106 of 1,614,094 alleles (0.0066%); highest among the groups gnomAD compares: African/African-American, 0.095%; no homozygotes.

Submissions (6):

CeGaT Center for Human Genetics Tuebingen
Classification: Likely benign. Last evaluated: 2026-01-01. Review status: criteria provided, single submitter. Criteria: CeGaT Center For Human Genetics Tuebingen Variant Classification Criteria Version 2. Collection method: clinical testing. Allele origin: germline. Affected: yes. Observed: 1 variant allele.
Comment: VPS13B: BP4, BP7

Mayo Clinic Laboratories, Mayo Clinic
Classification: Likely benign. Last evaluated: 2025-11-07. Review status: criteria provided, single submitter. Criteria: ACMG Guidelines, 2015. Collection method: clinical testing. Allele origin: germline. Observed: 1 variant allele.
Comment: BP4, BP7

Labcorp Genetics (formerly Invitae), Labcorp
Classification: Likely benign for Cohen syndrome. Last evaluated: 2025-11-03. Review status: criteria provided, single submitter. Criteria: Invitae Variant Classification Sherloc (09022015). Collection method: clinical testing. Allele origin: germline.

Blueprint Genetics
Classification: Likely benign. Last evaluated: 2024-02-21. Review status: criteria provided, single submitter. Criteria: ACMG Guidelines, 2015. Collection method: clinical testing. Allele origin: germline.

Illumina Laboratory Services, Illumina
Classification: Uncertain significance for Cohen syndrome. Last evaluated: 2018-01-13. Review status: criteria provided, single submitter. Criteria: ICSL Variant Classification Criteria 13 December 2019. Collection method: clinical testing. Allele origin: germline.

Natera, Inc.
Classification: Likely benign for Cohen syndrome. Last evaluated: 2020-10-30. Review status: no assertion criteria provided. Collection method: clinical testing. Allele origin: germline. Not counted in ClinVar's aggregate classification.